The following is an entry in ClinVar:

NM_005228.5(EGFR):c.2393T>A (p.Leu798His)

Genes: EGFR (epidermal growth factor receptor; plus strand), EGFR-AS1 (EGFR antisense RNA 1; minus strand). Cytogenetic location: 7p11.2.
Variant type: single nucleotide variant.
Coding change: c.2393T>A on transcript NM_005228.5 (MANE Select); coding-DNA position 2393, T replaced by A.
Protein change: p.Leu798His; replaces leucine 798 with histidine.
Molecular consequence: missense variant. On other transcripts: non-coding transcript variant (1).
Genome position (GRCh38, 1-based): chr7:55,181,402, T>A. VCF-style: chr7-55181402-T-A. GRCh37 (hg19) VCF-style: chr7-55249095-T-A.
Other names: c.2258T>A, p.Leu753His (NM_001346897.2, NM_001346899.2); c.2393T>A, p.Leu798His (NM_001346898.2); c.2234T>A, p.Leu745His (NM_001346900.2); c.1592T>A, p.Leu531His (NM_001346941.2); short protein forms L798H, L531H, L753H, L745H.
Identifiers: ClinVar variation 126519 (VCV000126519.3), dbSNP rs483352807, ClinGen allele CA151175.
Genomic context (GRCh38, chr7:55,181,402, plus strand): 5'-TGGGCATCTGCCTCACCTCCACCGTGCAGCTCATCACGCAGCTCATGCCCTTCGGCTGCC[T>A]CCTGGACTATGTCCGGGAACACAAAGACAATATTGGCTCCCAGTACCTGCTCAACTGGTG-3'
Protein context (NP_005219.2, residues 788-808): LITQLMPFGC[Leu798His]LDYVREHKDN

ClinVar aggregate classification (germline): drug response (0 of 4 stars; one submission).

Conditions:
Squamous cell carcinoma of the head and neck (HNSCC). Also called: Squamous cell carcinoma, head and neck, somatic; Head and neck squamous cell carcinoma. Identifiers: Orphanet 67037, MedGen C1168401, MeSH D000077195, MONDO:0010150, OMIM 275355, HP:0020357.

Submission:

Genetics, Bhagwan Mahavir Medical Research Centre
Classification: drug response for Squamous cell carcinoma of the head and neck. Review status: no assertion criteria provided. Collection method: not provided. Allele origin: unknown.
ClinVar note: Converted during submission from drug-response to drug response.